The following is an entry in ClinVar:

NM_002210.5(ITGAV):c.1710G>A (p.Ala570=)

Genes: FAM171B-AS1 (FAM171B and ITGAV antisense RNA 1; minus strand), ITGAV (integrin subunit alpha V; plus strand). Cytogenetic location: 2q32.1.
Variant type: single nucleotide variant.
Coding change: c.1710G>A on transcript NM_002210.5 (MANE Select); coding-DNA position 1710, G replaced by A.
Protein change: p.Ala570=; no amino-acid change (alanine 570 retained).
Molecular consequence: synonymous variant.
Genome position (GRCh38, 1-based): chr2:186,656,392, G>A. VCF-style: chr2-186656392-G-A. GRCh37 (hg19) VCF-style: chr2-187521119-G-A.
Other names: c.1572G>A, p.Ala524= (NM_001144999.3); c.1602G>A, p.Ala534= (NM_001145000.3).
Identifiers: ClinVar variation 772853 (VCV000772853.6), dbSNP rs112803582, ClinGen allele CA2018972.

ClinVar aggregate classification (germline): Benign. Review status: criteria provided, multiple submitters, no conflicts (2 of 4 stars). 3 submissions from 3 submitters: Benign (2). 1 of the submissions does not count toward it. Last evaluated 2018-07-27.

Conditions:
ITGAV-related disorder. Also called: ITGAV-related condition.

Allele frequency attached by ClinVar (database versions not stated): 1000 Genomes Project 0.00100; 1000 Genomes Project 30x 0.00109; gnomAD 0.00121; ESP Exome Variant Server 0.00161; TOPMed 0.00162; ExAC 0.00174; gnomAD exomes 0.00178.
gnomAD v4.1: 3,491 of 1,482,714 alleles (0.24%); highest among the groups gnomAD compares: Middle Eastern, 3.9%; 17 homozygotes.

Submissions (3):

Labcorp Genetics (formerly Invitae), Labcorp
Classification: Benign. Last evaluated: 2018-07-27. Review status: criteria provided, single submitter. Criteria: Invitae Variant Classification Sherloc (09022015). Collection method: clinical testing. Allele origin: germline.

Breakthrough Genomics
Classification: Benign. Review status: criteria provided, single submitter. Criteria: ACMG Guidelines, 2015. Collection method: not provided. Allele origin: germline. Inheritance: Unknown mechanism. Affected: yes.

PreventionGenetics, part of Exact Sciences
Classification: Likely benign for ITGAV-related condition. Last evaluated: 2023-04-16. Review status: no assertion criteria provided. Collection method: clinical testing. Allele origin: germline. Not counted in ClinVar's aggregate classification.
Comment: This variant is classified as likely benign based on ACMG/AMP sequence variant interpretation guidelines (Richards et al. 2015 PMID: 25741868, with internal and published modifications).